The following is an entry in ClinVar:

ClinVar aggregate classification (germline): Uncertain significance. Review status: criteria provided, single submitter (1 of 4 stars). 2 submissions from 2 submitters: Uncertain significance (1). 1 of the submissions does not count toward it. Last evaluated 2024-02-13.

Conditions:
PLXNB3-related disorder. Also called: PLXNB3-related condition.

Allele frequency attached by ClinVar (database versions not stated): gnomAD 0.00007; TOPMed 0.00012; gnomAD exomes 0.00013; ExAC 0.00055.
gnomAD v4.1: 134 of 1,141,372 alleles (0.012%); highest among the groups gnomAD compares: East Asian, 0.082%; no homozygotes.

Submissions (2):

Ambry Genetics
Classification: Uncertain significance. Last evaluated: 2024-02-13. Review status: criteria provided, single submitter. Criteria: Ambry Variant Classification Scheme 2023. Collection method: clinical testing. Allele origin: germline.

PreventionGenetics, part of Exact Sciences
Classification: Likely benign for PLXNB3-related condition. Last evaluated: 2022-02-08. Review status: no assertion criteria provided. Collection method: clinical testing. Allele origin: germline. Not counted in ClinVar's aggregate classification.
Comment: This variant is classified as likely benign based on ACMG/AMP sequence variant interpretation guidelines (Richards et al. 2015 PMID: 25741868, with internal and published modifications).

NM_005393.3(PLXNB3):c.1016G>A (p.Arg339Gln)

Gene: PLXNB3 (plexin B3; plus strand). Cytogenetic location: Xq28.
Variant type: single nucleotide variant.
Coding change: c.1016G>A on transcript NM_005393.3 (MANE Select); coding-DNA position 1016, G replaced by A.
Protein change: p.Arg339Gln; replaces arginine 339 with glutamine.
Molecular consequence: missense variant.
Genome position (GRCh38, 1-based): chrX:153,767,843, G>A. VCF-style: chrX-153767843-G-A. GRCh37 (hg19) VCF-style: chrX-153033298-G-A.
Other names: c.1085G>A, p.Arg362Gln (NM_001163257.2); short protein forms R339Q, R362Q.
Identifiers: ClinVar variation 3045322 (VCV003045322.3), dbSNP rs782600752, ClinGen allele CA10550667.